The following is an entry in ClinVar:

ClinVar aggregate classification (germline): Likely benign (0 of 4 stars; one submission).

Conditions:
PRICKLE2-related disorder. Also called: PRICKLE2-related condition.

Allele frequency attached by ClinVar (database versions not stated): ExAC 0.00001; TOPMed 0.00002; gnomAD 0.00003.
gnomAD v4.1: 4 of 1,613,946 alleles (0.00025%); highest among the groups gnomAD compares: African/African-American, 0.0053%; no homozygotes.

Submission:

PreventionGenetics, part of Exact Sciences
Classification: Likely benign for PRICKLE2-related condition. Last evaluated: 2019-02-19. Review status: no assertion criteria provided. Collection method: clinical testing. Allele origin: germline.
Comment: This variant is classified as likely benign based on ACMG/AMP sequence variant interpretation guidelines (Richards et al. 2015 PMID: 25741868, with internal and published modifications).

NM_198859.4(PRICKLE2):c.120C>T (p.Val40=)

Genes: PRICKLE2 (prickle planar cell polarity protein 2; minus strand), PRICKLE2-AS3 (PRICKLE2 antisense RNA 3; plus strand). Cytogenetic location: 3p14.1.
Variant type: single nucleotide variant.
Coding change: c.120C>T on transcript NM_198859.4 (MANE Select); coding-DNA position 120, C replaced by T.
Protein change: p.Val40=; no amino-acid change (valine 40 retained).
Molecular consequence: synonymous variant. On other transcripts: non-coding transcript variant (1).
Genome position (GRCh38, 1-based): chr3:64,198,808, G>A on the plus strand (C>T on the coding strand, the complement: PRICKLE2 is on the minus strand). VCF-style: chr3-64198808-G-A. GRCh37 (hg19) VCF-style: chr3-64184484-G-A.
Other names: c.120C>T, p.Val40= (NM_001370528.1).
Identifiers: ClinVar variation 3057513 (VCV003057513.2), dbSNP rs769615303, ClinGen allele CA2479926.